The following is an entry in ClinVar:

ClinVar aggregate classification (germline): Conflicting classifications of pathogenicity. Review status: criteria provided, conflicting classifications (1 of 4 stars). 4 submissions from 4 submitters: Uncertain significance (3); Likely benign (1). Last evaluated 2025-10-16.

Conditions:
Hereditary cancer-predisposing syndrome. Also called: Neoplastic Syndromes, Hereditary; Tumor predisposition; Hereditary neoplastic syndrome; Hereditary Cancer Syndrome. Identifiers: Orphanet 140162, MedGen C0027672, MeSH D009386, MONDO:0015356.
Hereditary breast ovarian cancer syndrome. Also called: Hereditary breast and ovarian cancer syndrome; Hereditary breast and ovarian cancer; Hereditary breast and ovarian cancer syndrome (HBOC); Breast and ovarian cancer; Hereditary breast and/or ovarian cancer syndrome; BRCA1- and BRCA2-Associated Hereditary Breast and Ovarian Cancer. Identifiers: Orphanet 145, MedGen C0677776, MeSH D061325, MONDO:0003582. Disease mechanism: loss of function.

Allele frequency attached by ClinVar (database versions not stated): gnomAD exomes below 0.00001; TOPMed below 0.00001; ExAC 0.00001; gnomAD 0.00002.
gnomAD v4.1: 3 of 1,613,774 alleles (0.00019%); highest among the groups gnomAD compares: African/African-American, 0.0027%; no homozygotes.

Submissions (4):

Ambry Genetics
Classification: Uncertain significance for Hereditary cancer-predisposing syndrome. Last evaluated: 2025-10-16. Review status: criteria provided, single submitter. Criteria: Ambry Variant Classification Scheme 2023. Collection method: clinical testing. Allele origin: germline.
Comment: The p.L1576V variant (also known as c.4726C>G), located in coding exon 10 of the BRCA2 gene, results from a C to G substitution at nucleotide position 4726. The leucine at codon 1576 is replaced by valine, an amino acid with highly similar properties. This amino acid position is poorly conserved in available vertebrate species. In addition, this alteration is predicted to be tolerated by in silico analysis. Since supporting evidence is limited at this time, the clinical significance of this alteration remains unclear.

Labcorp Genetics (formerly Invitae), Labcorp
Classification: Uncertain significance for Hereditary breast ovarian cancer syndrome. Last evaluated: 2025-06-08. Review status: criteria provided, single submitter. Criteria: Invitae Variant Classification Sherloc (09022015). Collection method: clinical testing. Allele origin: germline.
Comment: This sequence change replaces leucine, which is neutral and non-polar, with valine, which is neutral and non-polar, at codon 1576 of the BRCA2 protein (p.Leu1576Val). This variant is present in population databases (rs758051329, gnomAD 0.004%). This variant has not been reported in the literature in individuals affected with BRCA2-related conditions. ClinVar contains an entry for this variant (Variation ID: 825127). Invitae Evidence Modeling of protein sequence and biophysical properties (such as structural, functional, and spatial information, amino acid conservation, physicochemical variation, residue mobility, and thermodynamic stability) indicates that this missense variant is not expected to disrupt BRCA2 protein function with a negative predictive value of 95%. In summary, the available evidence is currently insufficient to determine the role of this variant in disease. Therefore, it has been classified as a Variant of Uncertain Significance.

GeneDx
Classification: Uncertain significance. Last evaluated: 2024-03-20. Review status: criteria provided, single submitter. Criteria: GeneDx Variant Classification Process June 2021. Collection method: clinical testing. Allele origin: germline. Affected: yes.
Comment: Not observed at significant frequency in large population cohorts (gnomAD); In silico analysis supports that this missense variant does not alter protein structure/function; Has not been previously published as pathogenic or benign to our knowledge; Also known as 4954C>G

University of Washington Department of Laboratory Medicine, University of Washington
Classification: Likely benign for Hereditary cancer-predisposing syndrome. Last evaluated: 2023-03-23. Review status: criteria provided, single submitter. Criteria: Dines et al. (Genet Med. 2020). Collection method: curation. Allele origin: germline.
Comment: Missense variant in a coldspot region where missense variants are very unlikely to be pathogenic (PMID:31911673).

BRCA2 exon 11 coldspot. Reclassification based on statistical prior probability.

NM_000059.4(BRCA2):c.4726C>G (p.Leu1576Val)

Gene: BRCA2 (BRCA2 DNA repair associated; plus strand). Cytogenetic location: 13q13.1.
Variant type: single nucleotide variant.
Coding change: c.4726C>G on transcript NM_000059.4 (MANE Select); coding-DNA position 4726, C replaced by G.
Protein change: p.Leu1576Val; replaces leucine 1576 with valine.
Molecular consequence: missense variant.
Genome position (GRCh38, 1-based): chr13:32,339,081, C>G. VCF-style: chr13-32339081-C-G. GRCh37 (hg19) VCF-style: chr13-32913218-C-G.
Other names: short protein forms L1576V.
Identifiers: ClinVar variation 825127 (VCV000825127.13), dbSNP rs758051329, ClinGen allele CA6940808.